The following is an entry in ClinVar:

NM_001349253.2(SCN11A):c.4762A>T (p.Ile1588Phe)

Gene: SCN11A (sodium voltage-gated channel alpha subunit 11; minus strand). Cytogenetic location: 3p22.2.
Variant type: single nucleotide variant.
Coding change: c.4762A>T on transcript NM_001349253.2 (MANE Select); coding-DNA position 4762, A replaced by T.
Protein change: p.Ile1588Phe; replaces isoleucine 1588 with phenylalanine.
Molecular consequence: missense variant.
Genome position (GRCh38, 1-based): chr3:38,847,308, T>A on the plus strand (A>T on the coding strand, the complement: SCN11A is on the minus strand). VCF-style: chr3-38847308-T-A. GRCh37 (hg19) VCF-style: chr3-38888799-T-A.
Other names: c.4762A>T, p.Ile1588Phe (NM_014139.3); short protein forms I1588F.
Identifiers: ClinVar variation 1381356 (VCV001381356.6), dbSNP rs1357207534, ClinGen allele CA352162535.

ClinVar aggregate classification (germline): Uncertain significance (1 of 4 stars; one submission).

Conditions:
Hereditary sensory and autonomic neuropathy type 7. Also called: Neuropathy, hereditary sensory and autonomic, type VII; HSAN VII. Identifiers: Orphanet 391397, MedGen C3809882, MONDO:0014244, OMIM 615548.
Familial episodic pain syndrome with predominantly lower limb involvement. Also called: Episodic pain syndrome, familial, 3. Identifiers: Orphanet 391384, Orphanet 391392, MedGen C3809899, MONDO:0014247, OMIM 615552.

Allele frequency attached by ClinVar (database versions not stated): gnomAD exomes below 0.00001.
gnomAD v4.1: 1 of 1,614,224 alleles (0.000062%); highest among the groups gnomAD compares: Admixed American, 0.0017%; no homozygotes.

Submission:

Labcorp Genetics (formerly Invitae), Labcorp
Classification: Uncertain significance for Familial episodic pain syndrome with predominantly lower limb involvement; Hereditary sensory and autonomic neuropathy type 7. Last evaluated: 2021-09-15. Review status: criteria provided, single submitter. Criteria: Invitae Variant Classification Sherloc (09022015). Collection method: clinical testing. Allele origin: germline.
Comment: In summary, the available evidence is currently insufficient to determine the role of this variant in disease. Therefore, it has been classified as a Variant of Uncertain Significance. Algorithms developed to predict the effect of missense changes on protein structure and function are either unavailable or do not agree on the potential impact of this missense change (SIFT: "Deleterious"; PolyPhen-2: "Probably Damaging"; Align-GVGD: "Class C0"). This variant has not been reported in the literature in individuals affected with SCN11A-related conditions. This variant is not present in population databases (ExAC no frequency). This sequence change replaces isoleucine with phenylalanine at codon 1588 of the SCN11A protein (p.Ile1588Phe). The isoleucine residue is highly conserved and there is a small physicochemical difference between isoleucine and phenylalanine.